The following is an entry in ClinVar:

NM_001194998.2(CEP152):c.4299T>C (p.His1433=)

Gene: CEP152 (centrosomal protein 152; minus strand). Cytogenetic location: 15q21.1.
Variant type: single nucleotide variant.
Coding change: c.4299T>C on transcript NM_001194998.2 (MANE Select); coding-DNA position 4299, T replaced by C.
Protein change: p.His1433=; no amino-acid change (histidine 1433 retained).
Molecular consequence: synonymous variant.
Genome position (GRCh38, 1-based): chr15:48,739,083, A>G on the plus strand (T>C on the coding strand, the complement: CEP152 is on the minus strand). VCF-style: chr15-48739083-A-G. GRCh37 (hg19) VCF-style: chr15-49031280-A-G.
Other names: c.4131T>C, p.His1377= (NM_014985.4).
Identifiers: ClinVar variation 158263 (VCV000158263.19), dbSNP rs114085678, ClinGen allele CA171731.

ClinVar aggregate classification (germline): Benign. Review status: criteria provided, multiple submitters, no conflicts (2 of 4 stars). 6 submissions from 5 submitters: Benign (6). Last evaluated 2026-01-31.

Conditions:
Seckel syndrome 5 (SCKL5). Identifiers: Orphanet 808, MedGen C3151187, MONDO:0013443, OMIM 613823.
Microcephaly 9, primary, autosomal recessive. Identifiers: Orphanet 2512, MedGen C3553886, MONDO:0013923, OMIM 614852.

Allele frequency attached by ClinVar (database versions not stated): gnomAD exomes 0.00142 and 0.00351; ExAC 0.00418; gnomAD 0.01473 and 0.01559; 1000 Genomes Project 0.01577; TOPMed 0.01607; ESP Exome Variant Server 0.01666; 1000 Genomes Project 30x 0.01702.
gnomAD v4.1: 4,397 of 1,614,178 alleles (0.27%); highest among the groups gnomAD compares: African/African-American, 5.2%; 113 homozygotes.

Submissions (6):

Labcorp Genetics (formerly Invitae), Labcorp
Classification: Benign. Last evaluated: 2026-01-31. Review status: criteria provided, single submitter. Criteria: Invitae Variant Classification Sherloc (09022015). Collection method: clinical testing. Allele origin: germline.

Illumina Laboratory Services, Illumina
Classification: Benign for Microcephaly 9, primary, autosomal recessive. Last evaluated: 2018-01-12. Review status: criteria provided, single submitter. Criteria: ICSL Variant Classification Criteria 13 December 2019. Collection method: clinical testing. Allele origin: germline.
Comment: This variant was observed in the ICSL laboratory as part of a predisposition screen in an ostensibly healthy population. It had not been previously curated by ICSL or reported in the Human Gene Mutation Database (HGMD: prior to June 1st, 2018), and was therefore a candidate for classification through an automated scoring system. Utilizing variant allele frequency, disease prevalence and penetrance estimates, and inheritance mode, an automated score was calculated to assess if this variant is too frequent to cause the disease. Based on the score and internal cut-off values, a variant classified as benign is not then subjected to further curation. The score for this variant resulted in a classification of benign for this disease.

Illumina Laboratory Services, Illumina
Classification: Benign for Seckel syndrome 5. Last evaluated: 2018-01-12. Review status: criteria provided, single submitter. Criteria: ICSL Variant Classification Criteria 13 December 2019. Collection method: clinical testing. Allele origin: germline.
Comment: the same text as in the submission from Illumina Laboratory Services, Illumina above.

GeneDx
Classification: Benign. Last evaluated: 2015-04-18. Review status: criteria provided, single submitter. Criteria: GeneDx Variant Classification (06012015). Collection method: clinical testing. Allele origin: germline. Affected: yes.
Comment: This variant is considered likely benign or benign based on one or more of the following criteria: it is a conservative change, it occurs at a poorly conserved position in the protein, it is predicted to be benign by multiple in silico algorithms, and/or has population frequency not consistent with disease.

Genetic Services Laboratory, University of Chicago
Classification: Benign. Last evaluated: 2013-06-26. Review status: criteria provided, single submitter. Criteria: ACMG Guidelines, 2007. Collection method: clinical testing. Allele origin: germline. Inheritance: Autosomal recessive inheritance.

Breakthrough Genomics
Classification: Benign. Review status: criteria provided, single submitter. Criteria: ACMG Guidelines, 2015. Collection method: not provided. Allele origin: germline. Inheritance: Autosomal recessive inheritance. Affected: yes.